The following is an entry in ClinVar:

NM_001190274.2(FBXO11):c.146_151dup (p.Gln50_Gln51insProGln)

Genes: FBXO11 (F-box protein 11; minus strand), LOC100506235 (uncharacterized LOC100506235; plus strand). Cytogenetic location: 2p16.3.
Variant type: Duplication.
Coding change: c.146_151dup on transcript NM_001190274.2 (MANE Select); coding-DNA positions 146 to 151, 6 bases duplicated (CGCAGC; older notation c.146_151dupCGCAGC).
Protein change: p.Gln50_Gln51insProGln.
Molecular consequence: non-coding transcript variant (on NR_187636.1).
Genome position (GRCh38, 1-based): chr2:47,905,570-47,905,575, GCTGCG duplicated on the plus strand (CGCAGC on the coding strand, the reverse complement: FBXO11 is on the minus strand); duplicating any 6 consecutive bases within chr2:47,905,570-47,905,577 gives the same sequence; the c. name uses the placement nearest the transcript's 3' end. VCF-style (leftmost placement, unchanged base first): chr2-47905569-T-TGCTGCG. GRCh37 (hg19) VCF-style: chr2-48132708-T-TGCTGCG.
Identifiers: ClinVar variation 3690501 (VCV003690501.2).

ClinVar aggregate classification (germline): Uncertain significance (1 of 4 stars; one submission).

Submission:

Labcorp Genetics (formerly Invitae), Labcorp
Classification: Uncertain significance. Last evaluated: 2024-04-10. Review status: criteria provided, single submitter. Criteria: Invitae Variant Classification Sherloc (09022015). Collection method: clinical testing. Allele origin: germline.
Comment: This variant, c.146_151dup, results in the insertion of 2 amino acid(s) of the FBXO11 protein (p.Pro49_Gln50dup), but otherwise preserves the integrity of the reading frame. This variant is not present in population databases (gnomAD no frequency). This variant has not been reported in the literature in individuals affected with FBXO11-related conditions. In summary, the available evidence is currently insufficient to determine the role of this variant in disease. Therefore, it has been classified as a Variant of Uncertain Significance.